The following is an entry in ClinVar:

ClinVar aggregate classification (germline): Conflicting classifications of pathogenicity. Review status: criteria provided, conflicting classifications (1 of 4 stars). 3 submissions from 3 submitters: Pathogenic (1); Likely pathogenic (1); Uncertain significance (1). Last evaluated 2025-09-02.

Conditions:
Inborn genetic diseases. Identifiers: MedGen C0950123, MeSH D030342.
Autosomal recessive axonal neuropathy with neuromyotonia (NMAN). Also called: Neuromyotonia and axonal neuropathy, autosomal recessive; MYOKYMIA, MYOTONIA, AND MUSCLE WASTING; Gamstorp-Wohlfart syndrome. Identifiers: Orphanet 324442, MedGen C5700127, MONDO:0007646, OMIM 137200.

Allele frequency attached by ClinVar (database versions not stated): gnomAD 0.00001; TOPMed 0.00001.
gnomAD v4.1: 3 of 1,613,234 alleles (0.00019%); highest among the groups gnomAD compares: African/African-American, 0.004%; no homozygotes.

Submissions (3):

Labcorp Genetics (formerly Invitae), Labcorp
Classification: Pathogenic for Autosomal recessive axonal neuropathy with neuromyotonia. Last evaluated: 2025-09-02. Review status: criteria provided, single submitter. Criteria: Invitae Variant Classification Sherloc (09022015). Collection method: clinical testing. Allele origin: germline.
Comment: This sequence change replaces isoleucine, which is neutral and non-polar, with asparagine, which is neutral and polar, at codon 63 of the HINT1 protein (p.Ile63Asn). This variant is present in population databases (no rsID available, gnomAD 0.008%). This missense change has been observed in individual(s) with clinical features of HINT1-related conditions and/or HINT1-related conditions (PMID: 3684610, 32917800, 36846110; internal data). In at least one individual the data is consistent with being in trans (on the opposite chromosome) from a pathogenic variant. ClinVar contains an entry for this variant (Variation ID: 945101). An algorithm developed to predict the effect of missense changes on protein structure and function (PolyPhen-2) suggests that this variant is likely to be disruptive. For these reasons, this variant has been classified as Pathogenic.

Women's Health and Genetics/Laboratory Corporation of America, LabCorp
Classification: Likely pathogenic for Autosomal recessive axonal neuropathy with neuromyotonia. Last evaluated: 2024-09-12. Review status: criteria provided, single submitter. Criteria: LabCorp Variant Classification Summary - May 2015. Collection method: clinical testing. Allele origin: germline.
Comment: Variant summary: HINT1 c.188T>A (p.Ile63Asn) results in a non-conservative amino acid change in the encoded protein sequence. Five of five in-silico tools predict a damaging effect of the variant on protein function. The variant allele was found at a frequency of 4e-06 in 251398 control chromosomes. c.188T>A has been reported in the literature in the homozygous and comound heterozygous state in individuals affected with Autosomal Recessive Axonal Neuropathy With Neuromyotonia (Jiang_2023, Lewis_2021). These data indicate that the variant is likely to be associated with disease. To our knowledge, no experimental evidence demonstrating an impact on protein function has been reported. The following publications have been ascertained in the context of this evaluation (PMID: 36846110, 32917800). ClinVar contains an entry for this variant (Variation ID: 945101). Based on the evidence outlined above, the variant was classified as likely pathogenic.

Ambry Genetics
Classification: Uncertain significance for Inborn genetic diseases. Last evaluated: 2020-01-08. Review status: criteria provided, single submitter. Criteria: Ambry Variant Classification Scheme 2023. Collection method: clinical testing. Allele origin: germline.
Comment: The p.I63N variant (also known as c.188T>A), located in coding exon 2 of the HINT1 gene, results from a T to A substitution at nucleotide position 188. The isoleucine at codon 63 is replaced by asparagine, an amino acid with dissimilar properties. This amino acid position is well conserved in available vertebrate species. In addition, the in silico prediction for this alteration is inconclusive. Since supporting evidence is limited at this time, the clinical significance of this alteration remains unclear.

Literature cited by the submitters: PubMed 3684610 (cited by Labcorp Genetics (formerly Invitae), Labcorp); PubMed 32917800 (cited by Labcorp Genetics (formerly Invitae), Labcorp and Women's Health and Genetics/Laboratory Corporation of America, LabCorp); PubMed 36846110 (cited by Labcorp Genetics (formerly Invitae), Labcorp and Women's Health and Genetics/Laboratory Corporation of America, LabCorp).

NM_005340.7(HINT1):c.188T>A (p.Ile63Asn)

Gene: HINT1 (histidine triad nucleotide binding protein 1; minus strand). Cytogenetic location: 5q23.3.
Variant type: single nucleotide variant.
Coding change: c.188T>A on transcript NM_005340.7 (MANE Select); coding-DNA position 188, T replaced by A.
Protein change: p.Ile63Asn; replaces isoleucine 63 with asparagine.
Molecular consequence: missense variant. On other transcripts: non-coding transcript variant (5).
Genome position (GRCh38, 1-based): chr5:131,162,600, A>T on the plus strand (T>A on the coding strand, the complement: HINT1 is on the minus strand). VCF-style: chr5-131162600-A-T. GRCh37 (hg19) VCF-style: chr5-130498293-A-T.
Other names: short protein forms I63N.
Identifiers: ClinVar variation 945101 (VCV000945101.11), dbSNP rs1048322333, ClinGen allele CA127815069.